The following is an entry in ClinVar:

NM_182914.3(SYNE2):c.16505T>C (p.Phe5502Ser)

Gene: SYNE2 (spectrin repeat containing nuclear envelope protein 2; plus strand). Cytogenetic location: 14q23.2.
Variant type: single nucleotide variant.
Coding change: c.16505T>C on transcript NM_182914.3 (MANE Select); coding-DNA position 16505, T replaced by C.
Protein change: p.Phe5502Ser; replaces phenylalanine 5502 with serine.
Molecular consequence: missense variant.
Genome position (GRCh38, 1-based): chr14:64,165,310, T>C. VCF-style: chr14-64165310-T-C. GRCh37 (hg19) VCF-style: chr14-64632028-T-C.
Other names: c.16505T>C, p.Phe5502Ser (NM_015180.6); short protein forms F5502S.
Identifiers: ClinVar variation 2916527 (VCV002916527.3), dbSNP rs369753309, ClinGen allele CA7223400.

ClinVar aggregate classification (germline): Uncertain significance (1 of 4 stars; one submission).

Conditions:
Emery-Dreifuss muscular dystrophy 5, autosomal dominant (EDMD5). Also called: EMERY-DREIFUSS MUSCULAR DYSTROPHY 5. Identifiers: Orphanet 261, MedGen C2751805, MONDO:0013072, OMIM 612999.

Allele frequency attached by ClinVar (database versions not stated): ExAC 0.00001; TOPMed 0.00001; gnomAD exomes 0.00002; ESP Exome Variant Server 0.00008.

Submission:

Labcorp Genetics (formerly Invitae), Labcorp
Classification: Uncertain significance for Emery-Dreifuss muscular dystrophy 5, autosomal dominant. Last evaluated: 2023-03-05. Review status: criteria provided, single submitter. Criteria: Invitae Variant Classification Sherloc (09022015). Collection method: clinical testing. Allele origin: germline.
Comment: In summary, the available evidence is currently insufficient to determine the role of this variant in disease. Therefore, it has been classified as a Variant of Uncertain Significance. An algorithm developed to predict the effect of missense changes on protein structure and function (PolyPhen-2) suggests that this variant is likely to be disruptive. This variant has not been reported in the literature in individuals affected with SYNE2-related conditions. This variant is present in population databases (rs369753309, gnomAD 0.002%). This sequence change replaces phenylalanine, which is neutral and non-polar, with serine, which is neutral and polar, at codon 5502 of the SYNE2 protein (p.Phe5502Ser).